The following is an entry in ClinVar:

ClinVar aggregate classification (germline): Likely pathogenic (1 of 4 stars; one submission).

Conditions:
Familial cancer of breast. Also called: hereditary breast carcinoma; BREAST CANCER, FAMILIAL; Hereditary breast cancer. Identifiers: Orphanet 227535, MedGen C0346153, MONDO:0016419, OMIM 114480. Disease mechanism: loss of function.

Submission:

Labcorp Genetics (formerly Invitae), Labcorp
Classification: Likely pathogenic for Familial cancer of breast. Last evaluated: 2024-04-24. Review status: criteria provided, single submitter. Criteria: Invitae Variant Classification Sherloc (09022015). Collection method: clinical testing. Allele origin: germline.
Comment: This sequence change creates a premature translational stop signal (p.Thr716Tyrfs*11) in the BARD1 gene. While this is not anticipated to result in nonsense mediated decay, it is expected to disrupt the last 62 amino acid(s) of the BARD1 protein. This variant is not present in population databases (gnomAD no frequency). This variant has not been reported in the literature in individuals affected with BARD1-related conditions. Algorithms developed to predict the effect of sequence changes on RNA splicing suggest that this variant may create or strengthen a splice site. This variant disrupts the C-terminal BRCT domain of BARD1 protein, which is required for chromosome stability and homology-directed repair (PMID: 17848578). A different variant (p.Val767fs) that lies downstream of this variant has been reported to affect BARD1 protein function (PMID: 30925164), this suggests that disruption of this region of the protein is causative of disease. In summary, the currently available evidence indicates that the variant is pathogenic, but additional data are needed to prove that conclusively. Therefore, this variant has been classified as Likely Pathogenic.

Literature cited by the submitters: PubMed 17848578; PubMed 30925164.

NM_000465.4(BARD1):c.2145_2152del (p.Thr716fs)

Gene: BARD1 (BRCA1 associated RING domain 1; minus strand). Cytogenetic location: 2q35.
Variant type: Deletion.
Coding change: c.2145_2152del on transcript NM_000465.4 (MANE Select); coding-DNA positions 2145 to 2152, 8 bases deleted (GACCATCA; older notation c.2145_2152delGACCATCA).
Protein change: p.Thr716fs; shifts the reading frame from threonine 716.
Molecular consequence: frameshift variant. On other transcripts: non-coding transcript variant (3).
Genome position (GRCh38, 1-based): chr2:214,728,858-214,728,865, TGATGGTC deleted on the plus strand (GACCATCA on the coding strand, the reverse complement: BARD1 is on the minus strand); deleting any 8 consecutive bases within chr2:214,728,858-214,728,868 gives the same sequence; the c. name uses the placement nearest the transcript's 3' end. VCF-style (leftmost placement, unchanged base first): chr2-214728857-TTGATGGTC-T. GRCh37 (hg19) VCF-style: chr2-215593581-TTGATGGTC-T.
Other names: c.2088_2095del, p.Thr697fs (NM_001282543.2); c.792_799del, p.Thr265fs (NM_001282545.2); c.735_742del, p.Thr246fs (NM_001282548.2); c.606_613del, p.Thr203fs (NM_001282549.2); short protein forms T716fs, T246fs, T203fs, T265fs, T697fs.
Identifiers: ClinVar variation 3650684 (VCV003650684.2).